The following is an entry in ClinVar:

NM_000742.4(CHRNA2):c.*1849A>G

Gene: CHRNA2 (cholinergic receptor nicotinic alpha 2 subunit; minus strand). Cytogenetic location: 8p21.2.
Variant type: single nucleotide variant.
Coding change: c.*1849A>G on transcript NM_000742.4 (MANE Select); 1849 bases downstream of the stop codon, A replaced by G.
Molecular consequence: 3 prime UTR variant.
Genome position (GRCh38, 1-based): chr8:27,459,780, T>C on the plus strand (A>G on the coding strand, the complement: CHRNA2 is on the minus strand). VCF-style: chr8-27459780-T-C. GRCh37 (hg19) VCF-style: chr8-27317297-T-C.
Other names: c.*1849A>G (NM_001282455.2, NM_001347705.2, NM_001347706.2 and 2 more transcripts).
Identifiers: ClinVar variation 362662 (VCV000362662.30), dbSNP rs531828656, ClinGen allele CA10627558.

ClinVar aggregate classification (germline): Benign. Review status: criteria provided, multiple submitters, no conflicts (2 of 4 stars). 3 submissions from 3 submitters: Benign (3). Last evaluated 2022-10-01.

Conditions:
Autosomal dominant nocturnal frontal lobe epilepsy 4. Also called: EPILEPSY, FAMILIAL, WITH NOCTURNAL WANDERING AND ICTAL FEAR; CHRNA2-Related Nocturnal Frontal Lobe Epilepsy, Autosomal Dominant. Identifiers: Orphanet 98784, MedGen C1835905, MONDO:0012474, OMIM 610353.

Allele frequency attached by ClinVar (database versions not stated): 1000 Genomes Project 0.00060; 1000 Genomes Project 30x 0.00062; TOPMed 0.00127; gnomAD 0.00130 and 0.00133.

Submissions (3):

CeGaT Center for Human Genetics Tuebingen
Classification: Benign. Last evaluated: 2022-10-01. Review status: criteria provided, single submitter. Criteria: CeGaT Center For Human Genetics Tuebingen Variant Classification Criteria Version 2. Collection method: clinical testing. Allele origin: germline. Affected: yes. Observed: 1 variant allele.
Comment: CHRNA2: BS1, BS2

Illumina Laboratory Services, Illumina
Classification: Benign for Autosomal dominant nocturnal frontal lobe epilepsy 4. Last evaluated: 2018-01-12. Review status: criteria provided, single submitter. Criteria: ICSL Variant Classification Criteria 13 December 2019. Collection method: clinical testing. Allele origin: germline.
Comment: This variant was observed in the ICSL laboratory as part of a predisposition screen in an ostensibly healthy population. It had not been previously curated by ICSL or reported in the Human Gene Mutation Database (HGMD: prior to June 1st, 2018), and was therefore a candidate for classification through an automated scoring system. Utilizing variant allele frequency, disease prevalence and penetrance estimates, and inheritance mode, an automated score was calculated to assess if this variant is too frequent to cause the disease. Based on the score and internal cut-off values, a variant classified as benign is not then subjected to further curation. The score for this variant resulted in a classification of benign for this disease.

Breakthrough Genomics
Classification: Benign. Review status: criteria provided, single submitter. Criteria: ACMG Guidelines, 2015. Collection method: not provided. Allele origin: germline. Inheritance: Autosomal dominant inheritance. Affected: yes.